The following is an entry in ClinVar:

ClinVar aggregate classification (germline): Uncertain significance. Review status: criteria provided, multiple submitters, no conflicts (2 of 4 stars). 6 submissions from 6 submitters: Uncertain significance (6). Last evaluated 2026-03-19.

Conditions:
TNNT2-related disorder. Also called: TNNT2-related condition.
Cardiovascular phenotype. Identifiers: MedGen CN230736.
Hypertrophic cardiomyopathy 2. Also called: TNNT2-Related Familial Hypertrophic Cardiomyopathy. Identifiers: MedGen C1861864, MONDO:0007266, OMIM 115195.
Dilated cardiomyopathy 1D. Identifiers: Orphanet 154, Orphanet 54260, MedGen C1832243, MONDO:0011095, OMIM 601494.
Cardiomyopathy, familial restrictive, 3. Identifiers: Orphanet 75249, MedGen C2676271, MONDO:0012900, OMIM 612422.
Cardiomyopathy (CMYO). Also called: Cardiomyopathies. Identifiers: Orphanet 167848, MedGen C0878544, MONDO:0004994, HP:0001638. Inheritance: Various modes of inheritance.

Allele frequency attached by ClinVar (database versions not stated): gnomAD exomes 0.00001; ExAC 0.00002; TOPMed 0.00006; gnomAD 0.00001.
gnomAD v4.1: 22 of 1,613,908 alleles (0.0014%); highest among the groups gnomAD compares: African/African-American, 0.0053%; no homozygotes.

Submissions (6):

Women's Health and Genetics/Laboratory Corporation of America, LabCorp
Classification: Uncertain significance. Last evaluated: 2026-03-19. Review status: criteria provided, single submitter. Criteria: LabCorp Variant Classification Summary - May 2015. Collection method: clinical testing. Allele origin: germline.
Comment: Variant summary: TNNT2 c.475C>T (p.Arg159X) results in a premature termination codon, predicted to cause a truncation of the encoded protein or absence of the protein due to nonsense mediated decay, however current evidence is not sufficient to establish loss of function as a mechanism for disease. The variant allele was found at a frequency of 8e-06 in 251464 control chromosomes. The available data on variant occurrences in the general population are insufficient to allow any conclusion about variant significance. c.475C>T has been observed in an individual affected with Left Ventricular Noncompaction (Mazzarotto_2021). This report does not provide unequivocal conclusions about association of the variant with Left Ventricular Noncompaction. To our knowledge, no experimental evidence demonstrating an impact on protein function has been reported. The following publications have been ascertained in the context of this evaluation (PMID: 22958901, 33500567, 34691145, 34697415). ClinVar contains an entry for this variant (Variation ID: 43646). Based on the evidence outlined above, the variant was classified as uncertain significance.

Labcorp Genetics (formerly Invitae), Labcorp
Classification: Uncertain significance for Cardiomyopathy, familial restrictive, 3; Hypertrophic cardiomyopathy 2; Dilated cardiomyopathy 1D. Last evaluated: 2025-09-27. Review status: criteria provided, single submitter. Criteria: Invitae Variant Classification Sherloc (09022015). Collection method: clinical testing. Allele origin: germline.
Comment: This sequence change creates a premature translational stop signal (p.Arg159*) in the TNNT2 gene. It is expected to result in an absent or disrupted protein product. However, the current clinical and genetic evidence is not sufficient to establish whether loss-of-function variants in TNNT2 cause disease. This variant is present in population databases (rs397516469, gnomAD 0.007%). This premature translational stop signal has been observed in individual(s) with TNNT2-related conditions (PMID: 22958901, 33500567, 34697415). ClinVar contains an entry for this variant (Variation ID: 43646). Algorithms developed to predict the effect of sequence changes on RNA splicing suggest that this variant may disrupt the consensus splice site. In summary, the available evidence is currently insufficient to determine the role of this variant in disease. Therefore, it has been classified as a Variant of Uncertain Significance.

Color Diagnostics, LLC DBA Color Health
Classification: Uncertain significance for Cardiomyopathy. Last evaluated: 2025-09-22. Review status: criteria provided, single submitter. Criteria: ACMG Guidelines, 2015. Collection method: clinical testing. Allele origin: germline.
Comment: This variant changes 1 nucleotide in exon 11 of the TNNT2 gene, creating a premature translation stop signal. This variant is expected to result in an absent or non-functional protein product. This variant has been reported in an individual affected with left ventricular non-compaction disorder (PMID: 33500567). This variant has been identified in 2/251464 chromosomes in the general population by the Genome Aggregation Database (gnomAD). The role of loss-of-function TNNT2 truncation variants in autosomal dominant cardiovascular disorders is not clearly understood. The available evidence is insufficient to determine the role of this variant in disease conclusively. Therefore, this variant is classified as a Variant of Uncertain Significance.

PreventionGenetics, part of Exact Sciences
Classification: Uncertain significance for TNNT2-related condition. Last evaluated: 2025-07-09. Review status: criteria provided, single submitter. Criteria: ACMG Guidelines, 2015. Collection method: clinical testing. Allele origin: germline.
Comment: The TNNT2 c.475C>T variant is predicted to result in premature protein termination (p.Arg159*). This variant has been reported in an individual with left ventricular noncompaction cardiomyopathy (Table S2, Mazzarotto et al. 2021. PubMed ID: 33500567). This variant is reported in 0.0062% of alleles in individuals of African descent in gnomAD. Loss of function is not an established mechanism of TNNT2-related disease. Although we suspect that this variant may be pathogenic, at this time, the clinical significance of this variant is uncertain due to the absence of conclusive functional and genetic evidence.

Ambry Genetics
Classification: Uncertain significance for Cardiovascular phenotype. Last evaluated: 2023-07-10. Review status: criteria provided, single submitter. Criteria: Ambry Variant Classification Scheme 2023. Collection method: clinical testing. Allele origin: germline.
Comment: The p.R159* variant (also known as c.475C>T), located in coding exon 10 of the TNNT2 gene, results from a C to T substitution at nucleotide position 475. This changes the amino acid from an arginine to a stop codon within coding exon 10. This variant has been detected in an individual referred for left ventricular noncompaction genetic testing; however, clinical details were limited (Mazzarotto F et al. Genet Med, 2021 May;23:856-864). This variant has also been detected in the Framingham Heart Study cohort and has been reported as an incidental finding; however, clinical details were limited (Bick AG et al. Am J Hum Genet, 2012 Sep;91:513-9; Ramensky VE et al. Front Genet, 2021 Oct;12:709419; Yang Q et al. J Am Heart Assoc, 2022 Oct;11:e025257; van der Schoot V et al. Eur J Hum Genet, 2022 Feb;30:170-177). This alteration is expected to result in protein truncation or nonsense-mediated mRNA decay. However, loss of function of TNNT2 has not been established as a mechanism of disease. Since supporting evidence is limited at this time, the clinical significance of this alteration remains unclear.

Laboratory for Molecular Medicine, Mass General Brigham Personalized Medicine
Classification: Uncertain significance. Last evaluated: 2017-06-12. Review status: criteria provided, single submitter. Criteria: LMM Criteria. Collection method: clinical testing. Allele origin: germline. Observed: 1 variant allele.
Comment: Variant classified as Uncertain Significance - Favor Pathogenic. This variant has been identified in 1/10404 African Am erican chromosomes and 1/66734 European chromosomes by the Exome Aggregation Con sortium (ExAC; dbSNP rs397516469). This nonsense variant leads to a premature termination codon at position 159, which is predic ted to lead to a truncated or absent protein. Truncating variants in TNNT2 have been reported to cause disease but are rare and their significance has not been well established. In summary, while there is some suspicion for a pathogenic rol e, the clinical significance of the p.Arg159X variant is uncertain.

Literature cited by the submitters: PubMed 22958901 (cited by 3 submitters); PubMed 33500567 (cited by 4 submitters); PubMed 34691145 (cited by Women's Health and Genetics/Laboratory Corporation of America, LabCorp and Ambry Genetics); PubMed 34697415 (cited by 3 submitters); PubMed 36129056 (cited by Ambry Genetics).

NM_001276345.2(TNNT2):c.505C>T (p.Arg169Ter)

Gene: TNNT2 (troponin T2, cardiac type; minus strand). Cytogenetic location: 1q32.1.
Variant type: single nucleotide variant.
Coding change: c.505C>T on transcript NM_001276345.2 (MANE Select); coding-DNA position 505, C replaced by T.
Protein change: p.Arg169Ter; replaces arginine 169 with a stop codon.
Molecular consequence: nonsense.
Genome position (GRCh38, 1-based): chr1:201,363,391, G>A on the plus strand (C>T on the coding strand, the complement: TNNT2 is on the minus strand). VCF-style: chr1-201363391-G-A. GRCh37 (hg19) VCF-style: chr1-201332519-G-A.
Other names: c.505C>T, p.Arg169Ter (NM_000364.4); c.475C>T, p.Arg159Ter (NM_001001430.3, NM_001001431.3, NM_001276347.2); c.460C>T, p.Arg154Ter (NM_001001432.3); c.385C>T, p.Arg129Ter (NM_001276346.2); short protein forms R159*, R169*, R129*, R154*.
Identifiers: ClinVar variation 43646 (VCV000043646.14), dbSNP rs397516469, ClinGen allele CA004632.